The following is an entry in ClinVar:

NM_004519.4(KCNQ3):c.1552G>A (p.Ala518Thr)

Gene: KCNQ3 (potassium voltage-gated channel subfamily Q member 3; minus strand). Cytogenetic location: 8q24.22.
Variant type: single nucleotide variant.
Coding change: c.1552G>A on transcript NM_004519.4 (MANE Select); coding-DNA position 1552, G replaced by A.
Protein change: p.Ala518Thr; replaces alanine 518 with threonine.
Molecular consequence: missense variant.
Genome position (GRCh38, 1-based): chr8:132,140,092, C>T on the plus strand (G>A on the coding strand, the complement: KCNQ3 is on the minus strand). VCF-style: chr8-132140092-C-T. GRCh37 (hg19) VCF-style: chr8-133152339-C-T.
Other names: c.1192G>A, p.Ala398Thr (NM_001204824.2); short protein forms A518T, A398T.
Identifiers: ClinVar variation 447643 (VCV000447643.17), dbSNP rs745463637, ClinGen allele CA4880673.

ClinVar aggregate classification (germline): Uncertain significance. Review status: criteria provided, multiple submitters, no conflicts (2 of 4 stars). 4 submissions from 4 submitters: Uncertain significance (4). Last evaluated 2025-06-23.

Conditions:
Benign neonatal seizures. Also called: Benign familial neonatal seizures; Benign familial neonatal epilepsy; Convulsions benign familial neonatal dominant form; Autosomal dominant form of benign neonatal seizures; Benign neonatal familial convulsions. Identifiers: Orphanet 1949, MedGen C0220669, MONDO:0016027.
Seizures, benign familial neonatal, 2. Also called: CONVULSIONS, BENIGN FAMILIAL NEONATAL, 2; Benign Neonatal Epilepsy 2; KCNQ3-Related Self-Limited Familial Neonatal Epilepsy (SLFNE); KCNQ3-Related Benign Familial Neonatal Epilepsy; Seizures, benign neonatal, 2. Identifiers: Orphanet 1949, MedGen C1852581, MONDO:0007366, OMIM 121201.

Allele frequency attached by ClinVar (database versions not stated): gnomAD exomes 0.00001 and 0.00002; gnomAD 0.00001; TOPMed 0.00002; ExAC 0.00003.
gnomAD v4.1: 18 of 1,598,488 alleles (0.0011%); highest among the groups gnomAD compares: South Asian, 0.0034%; no homozygotes.

Submissions (4):

Labcorp Genetics (formerly Invitae), Labcorp
Classification: Uncertain significance for Benign neonatal seizures. Last evaluated: 2025-06-23. Review status: criteria provided, single submitter. Criteria: Invitae Variant Classification Sherloc (09022015). Collection method: clinical testing. Allele origin: germline.
Comment: This sequence change replaces alanine, which is neutral and non-polar, with threonine, which is neutral and polar, at codon 518 of the KCNQ3 protein (p.Ala518Thr). The frequency data for this variant in the population databases is considered unreliable, as metrics indicate poor data quality at this position in the gnomAD database. This variant has not been reported in the literature in individuals affected with KCNQ3-related conditions. ClinVar contains an entry for this variant (Variation ID: 447643). Invitae Evidence Modeling of protein sequence and biophysical properties (such as structural, functional, and spatial information, amino acid conservation, physicochemical variation, residue mobility, and thermodynamic stability) indicates that this missense variant is not expected to disrupt KCNQ3 protein function with a negative predictive value of 80%. In summary, the available evidence is currently insufficient to determine the role of this variant in disease. Therefore, it has been classified as a Variant of Uncertain Significance.

Revvity Omics, Revvity
Classification: Uncertain significance for Seizures, benign familial neonatal, 2. Last evaluated: 2021-09-09. Review status: criteria provided, single submitter. Criteria: ACMG Guidelines, 2015. Collection method: clinical testing. Allele origin: germline.

Athena Diagnostics
Classification: Uncertain significance. Last evaluated: 2016-11-10. Review status: criteria provided, single submitter. Criteria: Athena Diagnostics Criteria. Collection method: clinical testing. Allele origin: germline.

Foundation for Research in Genetics and Endocrinology, FRIGE's Institute of Human Genetics
Classification: Uncertain significance for Seizures, benign familial neonatal, 2. Review status: criteria provided, single submitter. Criteria: ACMG Guidelines, 2015. Collection method: clinical testing. Allele origin: germline. Inheritance: Autosomal dominant inheritance. Affected: yes. Observed: 1 heterozygote.
Comment: A heterozygous missense variation in exon 11 of the KCNQ3 gene that results in the amino acid substitution of Threonine for Alanine at codon 518 was detected . This variant has not been reported in the 1000 genomes and gnomAD databases. The in silico predictions of the variant is damaging by LRT and MutationTaster2. The reference codon is conserved across species. In summary, the variant meets our criteria to be classified as a variant of uncertain significance.